The following is an entry in ClinVar:

NM_001127222.2(CACNA1A):c.340G>A (p.Val114Ile)

Gene: CACNA1A (calcium voltage-gated channel subunit alpha1 A; minus strand). Cytogenetic location: 19p13.13.
Variant type: single nucleotide variant.
Coding change: c.340G>A on transcript NM_001127222.2 (MANE Select); coding-DNA position 340, G replaced by A.
Protein change: p.Val114Ile; replaces valine 114 with isoleucine.
Molecular consequence: missense variant.
Genome position (GRCh38, 1-based): chr19:13,455,166, C>T on the plus strand (G>A on the coding strand, the complement: CACNA1A is on the minus strand). VCF-style: chr19-13455166-C-T. GRCh37 (hg19) VCF-style: chr19-13565980-C-T.
Other names: c.340G>A, p.Val114Ile (NM_000068.4, NM_001127221.2, NM_001174080.2 and 1 more transcripts); short protein forms V114I.
Identifiers: ClinVar variation 4689830 (VCV004689830.1).

ClinVar aggregate classification (germline): Uncertain significance (1 of 4 stars; one submission).

gnomAD v4.1: 1 of 1,612,342 alleles (0.000062%); highest among the groups gnomAD compares: Admixed American, 0.0017%; no homozygotes.

Submission:

GeneDx
Classification: Uncertain significance. Last evaluated: 2025-07-30. Review status: criteria provided, single submitter. Criteria: GeneDx Variant Classification Process June 2021. Collection method: clinical testing. Allele origin: germline. Affected: yes.
Comment: Not observed at significant frequency in large population cohorts (gnomAD); In silico analysis suggests that this missense variant does not alter protein structure/function; Has not been previously published as pathogenic or benign to our knowledge